The following is an entry in ClinVar:

NM_000212.3(ITGB3):c.2269G>A (p.Glu757Lys)

Genes: EFCAB13-DT (EFCAB13 divergent transcript; minus strand), ITGB3 (integrin subunit beta 3; plus strand). Cytogenetic location: 17q21.32.
Variant type: single nucleotide variant.
Coding change: c.2269G>A on transcript NM_000212.3 (MANE Select); coding-DNA position 2269, G replaced by A.
Protein change: p.Glu757Lys; replaces glutamic acid 757 with lysine.
Molecular consequence: missense variant.
Genome position (GRCh38, 1-based): chr17:47,307,605, G>A. VCF-style: chr17-47307605-G-A. GRCh37 (hg19) VCF-style: chr17-45384971-G-A.
Other names: short protein forms E757K.
Identifiers: ClinVar variation 3668578 (VCV003668578.3).
Genomic context (GRCh38, chr17:47,307,605, plus strand): 5'-GCCCTGCTCATCTGGAAACTCCTCATCACCATCCACGACCGAAAAGAATTCGCTAAATTT[G>A]AGGAAGAACGCGCCAGAGCAAAATGGGACACAGTAAGAGACGGGGCTGGGCGTTTTCTAA-3'
Protein context (NP_000203.2, residues 747-767): IHDRKEFAKF[Glu757Lys]EERARAKWDT

ClinVar aggregate classification (germline): Uncertain significance. Review status: criteria provided, multiple submitters, no conflicts (2 of 4 stars). 2 submissions from 2 submitters: Uncertain significance (2). Last evaluated 2024-02-23.

gnomAD v4.1: 11 of 1,614,216 alleles (0.00068%); highest among the groups gnomAD compares: Non-Finnish European, 0.00093%; no homozygotes.

Submissions (2):

Blueprint Genetics
Classification: Uncertain significance. Last evaluated: 2024-02-23. Review status: criteria provided, single submitter. Criteria: ACMG Guidelines, 2015. Collection method: clinical testing. Allele origin: germline.

Labcorp Genetics (formerly Invitae), Labcorp
Classification: Uncertain significance. Last evaluated: 2024-02-14. Review status: criteria provided, single submitter. Criteria: Invitae Variant Classification Sherloc (09022015). Collection method: clinical testing. Allele origin: germline.
Comment: This sequence change replaces glutamic acid, which is acidic and polar, with lysine, which is basic and polar, at codon 757 of the ITGB3 protein (p.Glu757Lys). This variant is present in population databases (rs768884344, gnomAD 0.0009%). This variant has not been reported in the literature in individuals affected with ITGB3-related conditions. Advanced modeling of protein sequence and biophysical properties (such as structural, functional, and spatial information, amino acid conservation, physicochemical variation, residue mobility, and thermodynamic stability) performed at Invitae indicates that this missense variant is expected to disrupt ITGB3 protein function with a positive predictive value of 80%. In summary, the available evidence is currently insufficient to determine the role of this variant in disease. Therefore, it has been classified as a Variant of Uncertain Significance.